The following is an entry in ClinVar:

ClinVar aggregate classification (germline): Pathogenic (1 of 4 stars; one submission).

Conditions:
Autosomal recessive nonsyndromic hearing loss 36. Also called: Deafness, autosomal recessive 36; DEAFNESS, AUTOSOMAL RECESSIVE 36, WITH VESTIBULAR INVOLVEMENT. Identifiers: Orphanet 90636, MedGen C1837007, MONDO:0012170, OMIM 609006.

Submission:

3billion
Classification: Pathogenic for Autosomal recessive nonsyndromic hearing loss 36. Last evaluated: 2023-07-26. Review status: criteria provided, single submitter. Criteria: ACMG Guidelines, 2015. Collection method: clinical testing. Allele origin: germline. Affected: yes.
Comment: The variant is not observed in the gnomAD v2.1.1 dataset. Predicted Consequence/Location: Frameshift: predicted to result in a loss or disruption of normal protein function through nonsense-mediated decay (NMD) or protein truncation. Multiple pathogenic variants are reported downstream of the variant. The variant has been reported to be associated with ESPN-related disorders (3billion dataset). Therefore, this variant is classified as Pathogenic according to the recommendation of ACMG/AMP guideline.

NM_031475.3(ESPN):c.1649_1665del (p.Arg550fs)

Gene: ESPN (espin; plus strand). Cytogenetic location: 1p36.31.
Variant type: Deletion.
Coding change: c.1649_1665del on transcript NM_031475.3 (MANE Select); coding-DNA positions 1649 to 1665, 17 bases deleted (GCGCCGGCTGCCCGCGC).
Protein change: p.Arg550fs; shifts the reading frame from arginine 550.
Molecular consequence: frameshift variant. On other transcripts: intron variant (2).
Genome position (GRCh38, 1-based): chr1:6,448,825-6,448,841, GCGCCGGCTGCCCGCGC deleted; deleting any 17 consecutive bases within chr1:6,448,817-6,448,841 gives the same sequence; the c. name uses the placement nearest the transcript's 3' end. VCF-style (leftmost placement, unchanged base first): chr1-6448816-AGCCCGCGCGCGCCGGCT-A. GRCh37 (hg19) VCF-style: chr1-6508876-AGCCCGCGCGCGCCGGCT-A.
Other names: c.1626+23_1626+39del (NM_001367474.1, NM_001367473.1); short protein forms R550fs.
Identifiers: ClinVar variation 2572469 (VCV002572469.3), dbSNP rs2522884028, ClinGen allele CA2580612913.